The following is an entry in ClinVar:

NM_004006.3(DMD):c.31+82538G>A

Gene: DMD (dystrophin; minus strand). Cytogenetic location: Xp21.1.
Variant type: single nucleotide variant.
Coding change: c.31+82538G>A on transcript NM_004006.3 (MANE Select); 82538 bases into the intron after coding-DNA position 31, G replaced by A.
Molecular consequence: intron variant.
Genome position (GRCh38, 1-based): chrX:33,128,744, C>T on the plus strand (G>A on the coding strand, the complement: DMD is on the minus strand). VCF-style: chrX-33128744-C-T. GRCh37 (hg19) VCF-style: chrX-33146861-C-T.
Other names: c.8-108544G>A (NM_000109.4).
Identifiers: ClinVar variation 668550 (VCV000668550.1), dbSNP rs45622536, ClinGen allele CA147822.
Genomic context (GRCh38, chrX:33,128,744, plus strand): 5'-GTGAAAAAGAAAAAGAAGCAGAGAAGGAAGCAAAAAGAAGAGACTGGACCTATAAAGTTG[C>T]GCACCTGTGTGATGCTAGGAGAAGAAAATAACTCTAAAAACGTCCAGTGCTGCTGAAAAC-3'

ClinVar aggregate classification (germline): Likely benign (1 of 4 stars; one submission).

Allele frequency attached by ClinVar (database versions not stated): TOPMed 0.02500; 1000 Genomes Project 30x 0.02518.
gnomAD v4.1: 2,903 of 111,969 alleles (2.6%); highest among the groups gnomAD compares: South Asian, 4.2%; 39 homozygotes.

Submission:

GeneDx
Classification: Likely benign. Last evaluated: 2018-06-19. Review status: criteria provided, single submitter. Criteria: GeneDx Variant Classification (06012015). Collection method: clinical testing. Allele origin: germline. Affected: yes.
Comment: This variant is considered likely benign or benign based on one or more of the following criteria: it is a conservative change, it occurs at a poorly conserved position in the protein, it is predicted to be benign by multiple in silico algorithms, and/or has population frequency not consistent with disease.